The following is an entry in ClinVar:

NM_025114.4(CEP290):c.4343C>T (p.Pro1448Leu)

Gene: CEP290 (centrosomal protein 290; minus strand). Cytogenetic location: 12q21.32.
Variant type: single nucleotide variant.
Coding change: c.4343C>T on transcript NM_025114.4 (MANE Select); coding-DNA position 4343, C replaced by T.
Protein change: p.Pro1448Leu; replaces proline 1448 with leucine.
Molecular consequence: missense variant.
Genome position (GRCh38, 1-based): chr12:88,086,133, G>A on the plus strand (C>T on the coding strand, the complement: CEP290 is on the minus strand). VCF-style: chr12-88086133-G-A. GRCh37 (hg19) VCF-style: chr12-88479910-G-A.
Other names: short protein forms P1448L.
Identifiers: ClinVar variation 3030541 (VCV003030541.2), dbSNP rs757356455, ClinGen allele CA385996605.
Genomic context (GRCh38, chr12:88,086,133, plus strand): 5'-AGAATTATTCGAATGTTCTCCTTAATTTTCCTTAGAGCGATCTCAAGTTGATTTGGAAGG[G>A]GCAAACTAGGGTCAGGGATTGATCCTGTAGCTTCTTCAAACTATTAAGAAATAGTATGTT-3'
Protein context (NP_079390.3, residues 1438-1458): ATGSIPDPSL[Pro1448Leu]LPNQLEIALR

ClinVar aggregate classification (germline): Uncertain significance (0 of 4 stars; one submission).

Conditions:
CEP290-related disorder. Also called: CEP290-related disorders; CEP290-related condition. Identifiers: MedGen CN239314.

gnomAD v4.1: 32 of 1,612,770 alleles (0.002%); highest among the groups gnomAD compares: Non-Finnish European, 0.0023%; no homozygotes.

Submission:

PreventionGenetics, part of Exact Sciences
Classification: Uncertain significance for CEP290-related condition. Last evaluated: 2024-01-30. Review status: no assertion criteria provided. Collection method: clinical testing. Allele origin: germline.
Comment: The CEP290 c.4343C>T variant is predicted to result in the amino acid substitution p.Pro1448Leu. To our knowledge, this variant has not been reported in the literature or in a large population database, indicating this variant is rare. At this time, the clinical significance of this variant is uncertain due to the absence of conclusive functional and genetic evidence.